The following is an entry in ClinVar:

NM_001004334.4(GPR179):c.2624C>T (p.Ala875Val)

Gene: GPR179 (G protein-coupled receptor 179; minus strand). Cytogenetic location: 17q12.
Variant type: single nucleotide variant.
Coding change: c.2624C>T on transcript NM_001004334.4 (MANE Select); coding-DNA position 2624, C replaced by T.
Protein change: p.Ala875Val; replaces alanine 875 with valine.
Molecular consequence: missense variant.
Genome position (GRCh38, 1-based): chr17:38,330,945, G>A on the plus strand (C>T on the coding strand, the complement: GPR179 is on the minus strand). VCF-style: chr17-38330945-G-A. GRCh37 (hg19) VCF-style: chr17-36486828-G-A.
Other names: short protein forms A875V.
Identifiers: ClinVar variation 1403836 (VCV001403836.8), dbSNP rs375605369, ClinGen allele CA290105676.

ClinVar aggregate classification (germline): Uncertain significance (1 of 4 stars; one submission).

Allele frequency attached by ClinVar (database versions not stated): gnomAD exomes below 0.00001; TOPMed below 0.00001; ExAC 0.00001; gnomAD 0.00001; ESP Exome Variant Server 0.00008.

Submission:

Labcorp Genetics (formerly Invitae), Labcorp
Classification: Uncertain significance. Last evaluated: 2022-11-28. Review status: criteria provided, single submitter. Criteria: Invitae Variant Classification Sherloc (09022015). Collection method: clinical testing. Allele origin: germline.
Comment: The frequency data for this variant in the population databases is considered unreliable, as metrics indicate poor data quality at this position in the gnomAD database. This variant has not been reported in the literature in individuals affected with GPR179-related conditions. ClinVar contains an entry for this variant (Variation ID: 1403836). Algorithms developed to predict the effect of missense changes on protein structure and function are either unavailable or do not agree on the potential impact of this missense change (SIFT: "Deleterious"; PolyPhen-2: "Possibly Damaging"; Align-GVGD: "Class C0"). In summary, the available evidence is currently insufficient to determine the role of this variant in disease. Therefore, it has been classified as a Variant of Uncertain Significance. This sequence change replaces alanine, which is neutral and non-polar, with valine, which is neutral and non-polar, at codon 875 of the GPR179 protein (p.Ala875Val).